The following is an entry in ClinVar:

NM_001903.5(CTNNA1):c.2272A>G (p.Lys758Glu)

Gene: CTNNA1 (catenin alpha 1; plus strand). Cytogenetic location: 5q31.2.
Variant type: single nucleotide variant.
Coding change: c.2272A>G on transcript NM_001903.5 (MANE Select); coding-DNA position 2272, A replaced by G.
Protein change: p.Lys758Glu; replaces lysine 758 with glutamic acid.
Molecular consequence: missense variant.
Genome position (GRCh38, 1-based): chr5:138,930,909, A>G. VCF-style: chr5-138930909-A-G. GRCh37 (hg19) VCF-style: chr5-138266598-A-G.
Other names: c.2272A>G, p.Lys758Glu (NM_001290307.3, NM_001323982.2, NM_001323983.1 and 2 more transcripts); c.1963A>G, p.Lys655Glu (NM_001290309.3); c.1903A>G, p.Lys635Glu (NM_001290310.3); c.1162A>G, p.Lys388Glu (NM_001290312.1, NM_001323987.1, NM_001323988.1 and 17 more transcripts); c.2179A>G, p.Lys727Glu (NM_001323986.2); c.823A>G, p.Lys275Glu (NM_001324006.1, NM_001324007.1, NM_001324008.1 and 2 more transcripts); c.1069A>G, p.Lys357Glu (NM_001324011.1); c.919A>G, p.Lys307Glu (NM_001324012.1, NM_001324013.1); short protein forms K275E, K307E, K357E, K388E, K635E, K655E, K727E, K758E.
Identifiers: ClinVar variation 3221899 (VCV003221899.1), dbSNP rs2533861359, ClinGen allele CA361133922.

ClinVar aggregate classification (germline): Uncertain significance (1 of 4 stars; one submission).

Conditions:
Hereditary cancer-predisposing syndrome. Also called: Tumor predisposition; Hereditary neoplastic syndrome; Hereditary Cancer Syndrome; Neoplastic Syndromes, Hereditary. Identifiers: Orphanet 140162, MedGen C0027672, MeSH D009386, MONDO:0015356.

Submission:

Ambry Genetics
Classification: Uncertain significance for Hereditary cancer-predisposing syndrome. Last evaluated: 2023-12-21. Review status: criteria provided, single submitter. Criteria: Ambry Variant Classification Scheme 2023. Collection method: clinical testing. Allele origin: germline.
Comment: The p.K758E variant (also known as c.2272A>G), located in coding exon 15 of the CTNNA1 gene, results from an A to G substitution at nucleotide position 2272. The lysine at codon 758 is replaced by glutamic acid, an amino acid with similar properties. This amino acid position is conserved. In addition, the in silico prediction for this alteration is inconclusive. Since supporting evidence is limited at this time, the clinical significance of this alteration remains unclear.